The following is an entry in ClinVar:

ClinVar aggregate classification (germline): Conflicting classifications of pathogenicity. Review status: criteria provided, conflicting classifications (1 of 4 stars). 7 submissions from 4 submitters: Uncertain significance (5); Likely benign (2). Last evaluated 2024-09-11.

Conditions:
Maturity-onset diabetes of the young (MODY). Also called: Maturity onset diabetes mellitus in young. Identifiers: Orphanet 552, MedGen C0342276, MONDO:0018911, HP:0004904.
Diabetes mellitus, transient neonatal, 2 (TNDM2). Identifiers: Orphanet 99886, MedGen C1835887, MONDO:0012480, OMIM 610374. Disease mechanism: loss of function.
Hyperinsulinemic hypoglycemia, familial, 1 (HHF1). Also called: HYPERINSULINISM, FAMILIAL, WITH PANCREATIC NESIDIOBLASTOSIS; HYPOGLYCEMIA, HYPERINSULINEMIC, OF INFANCY; Persistent hyperinsulinemic hypoglycemia of infancy; NESIDIOBLASTOSIS OF PANCREAS; Persistent Hyperinsulinemia Hypoglycemia of Infancy. Identifiers: Orphanet 276575, Orphanet 276598, MedGen C2931832, MONDO:0009734, OMIM 256450.
Permanent neonatal diabetes mellitus (PNDM). Identifiers: Orphanet 99885, MedGen C1833104, MONDO:0100164, MONDO:0011643. Disease mechanism: gain of function.
Transitory neonatal diabetes mellitus. Also called: Transient neonatal diabetes mellitus. Identifiers: MedGen C0342273, MONDO:0020525, HP:0008255.

gnomAD v4.1: 1 of 1,553,066 alleles (0.000064%); no homozygotes.

Submissions (7):

Blueprint Genetics
Classification: Likely benign. Last evaluated: 2024-09-11. Review status: criteria provided, single submitter. Criteria: ACMG Guidelines, 2015. Collection method: clinical testing. Allele origin: germline.

Labcorp Genetics (formerly Invitae), Labcorp
Classification: Likely benign. Last evaluated: 2024-02-09. Review status: criteria provided, single submitter. Criteria: Invitae Variant Classification Sherloc (09022015). Collection method: clinical testing. Allele origin: germline.

Illumina Laboratory Services, Illumina
Classification: Uncertain significance for Diabetes mellitus, transient neonatal, 2. Last evaluated: 2018-01-13. Review status: criteria provided, single submitter. Criteria: ICSL Variant Classification Criteria 13 December 2019. Collection method: clinical testing. Allele origin: germline.

Illumina Laboratory Services, Illumina
Classification: Uncertain significance for Hyperinsulinemic hypoglycemia, familial, 1. Last evaluated: 2018-01-13. Review status: criteria provided, single submitter. Criteria: ICSL Variant Classification Criteria 13 December 2019. Collection method: clinical testing. Allele origin: germline.

Illumina Laboratory Services, Illumina
Classification: Uncertain significance for Permanent neonatal diabetes mellitus 1. Last evaluated: 2018-01-13. Review status: criteria provided, single submitter. Criteria: ICSL Variant Classification Criteria 13 December 2019. Collection method: clinical testing. Allele origin: germline.

Clinical Genomics, Uppaluri K&H Personalized Medicine Clinic
Classification: Uncertain significance for Transitory neonatal diabetes mellitus. Review status: criteria provided, single submitter. Criteria: K & H Uppaluri Personalized Medicine Clinic Variant Classification & Assertion Criteria_Updated V.1. Collection method: research. Allele origin: somatic. Inheritance: Somatic mutation.
Comment: Mutations in ABCC8 gene are associated with both neonatal diabetes mellitus as well as MODY. Patients with this mutation may have a better response to sulfonylureas. However, no sufficient evidence is found to ascertain the role of this particular variant ( rs886048048) in neonatal diabetes yet.

Clinical Genomics, Uppaluri K&H Personalized Medicine Clinic
Classification: Uncertain significance for Maturity-onset diabetes of the young. Review status: criteria provided, single submitter. Criteria: K & H Uppaluri Personalized Medicine Clinic Variant Classification & Assertion Criteria_Updated V.1. Collection method: research. Allele origin: somatic. Inheritance: Somatic mutation.
Comment: Mutations in ABCC8 gene are associated with both neonatal diabetes mellitus as well as MODY. Patients with this mutation may have a better response to sulfonylureas. However, no sufficient evidence is found to ascertain the role of this particular variant ( rs886048048) in MODY yet.

Literature cited by the submitters: PubMed 16885549 (cited by Clinical Genomics, Uppaluri K&H Personalized Medicine Clinic); PubMed 21989597 (cited by Clinical Genomics, Uppaluri K&H Personalized Medicine Clinic); PubMed 27538677 (cited by Clinical Genomics, Uppaluri K&H Personalized Medicine Clinic); PubMed 18981553 (cited by Clinical Genomics, Uppaluri K&H Personalized Medicine Clinic); PubMed 32027066 (cited by Clinical Genomics, Uppaluri K&H Personalized Medicine Clinic); PubMed 16613899 (cited by Clinical Genomics, Uppaluri K&H Personalized Medicine Clinic); PubMed 18025408 (cited by Clinical Genomics, Uppaluri K&H Personalized Medicine Clinic); PubMed 32792356 (cited by Clinical Genomics, Uppaluri K&H Personalized Medicine Clinic).

NM_000352.6(ABCC8):c.4199-8C>T

Gene: ABCC8 (ATP binding cassette subfamily C member 8; minus strand). Cytogenetic location: 11p15.1.
Variant type: single nucleotide variant.
Coding change: c.4199-8C>T on transcript NM_000352.6 (MANE Select); 8 bases into the intron before coding-DNA position 4199, C replaced by T.
Molecular consequence: intron variant.
Genome position (GRCh38, 1-based): chr11:17,395,726, G>A on the plus strand (C>T on the coding strand, the complement: ABCC8 is on the minus strand). VCF-style: chr11-17395726-G-A. GRCh37 (hg19) VCF-style: chr11-17417273-G-A.
Other names: c.4196-8C>T (NM_001351297.2); c.4199-8C>T (NM_001351296.2); c.4265-8C>T (NM_001351295.2); c.4202-8C>T (NM_001287174.3).
Identifiers: ClinVar variation 303752 (VCV000303752.15), dbSNP rs886048048, ClinGen allele CA10638595.
Genomic context (GRCh38, chr11:17,395,726, plus strand): 5'-CAGGGTGTGCAGCGGCAGTTTGGCGATGTCAATGCCATCAATGATGATGTGCCCTGCATG[G>A]GTCCCAGTGAGGGTGCAGGGGAAGGCGGTGACTGCTGGGCCTCCTGTCATGTCTGACCAC-3'